The following is an entry in ClinVar:

NM_000303.3(PMM2):c.447+5G>A

Gene: PMM2 (phosphomannomutase 2; plus strand). Cytogenetic location: 16p13.2.
Variant type: single nucleotide variant.
Coding change: c.447+5G>A on transcript NM_000303.3 (MANE Select); 5 bases into the intron after coding-DNA position 447, G replaced by A.
Molecular consequence: intron variant.
Genome position (GRCh38, 1-based): chr16:8,811,183, G>A. VCF-style: chr16-8811183-G-A. GRCh37 (hg19) VCF-style: chr16-8905040-G-A.
Identifiers: ClinVar variation 418663 (VCV000418663.7), dbSNP rs367852554, ClinGen allele CA16620280.

ClinVar aggregate classification (germline): Conflicting classifications of pathogenicity. Review status: criteria provided, conflicting classifications (1 of 4 stars). 4 submissions from 4 submitters: Likely pathogenic (1); Uncertain significance (3). Last evaluated 2026-02-16.

Conditions:
PMM2-congenital disorder of glycosylation. Also called: CDG Ia; CARBOHYDRATE-DEFICIENT GLYCOPROTEIN SYNDROME, TYPE Ia; PMM2-CDG; Congenital disorder of glycosylation, type Ia; JAEKEN SYNDROME; PHOSPHOMANNOMUTASE 2 DEFICIENCY. Identifiers: Orphanet 79318, MedGen C0349653, MONDO:0008907, OMIM 212065.

Allele frequency attached by ClinVar (database versions not stated): TOPMed 0.00001; gnomAD 0.00002; gnomAD exomes 0.00005 and 0.00008; ESP Exome Variant Server 0.00008.
gnomAD v4.1: 109 of 1,532,972 alleles (0.0071%); highest among the groups gnomAD compares: Non-Finnish European, 0.0092%; no homozygotes.

Submissions (5):

Women's Health and Genetics/Laboratory Corporation of America, LabCorp
Classification: Uncertain significance. Last evaluated: 2026-02-16. Review status: criteria provided, single submitter. Criteria: LabCorp Variant Classification Summary - May 2015. Collection method: clinical testing. Allele origin: germline.
Comment: Variant summary: PMM2 c.447+5G>A alters a conserved nucleotide located close to a canonical splice site and therefore could affect mRNA splicing, leading to a significantly altered protein sequence. Several computational tools predict a significant impact on normal splicing: Two predict the variant abolishes a 5' splicing donor site. Two predict the variant weakens a 5' donor site. However, these predictions have yet to be confirmed by functional studies. The variant allele was found at a frequency of 5.3e-05 in 169754 control chromosomes. The available data on variant occurrences in the general population are insufficient to allow any conclusion about variant significance. c.447+5G>A has been observed in individual(s) affected with Congenital Disorder Of Glycosylation Type 1a (Silver_2021). These data do not allow any conclusion about variant significance. To our knowledge, no experimental evidence demonstrating an impact on protein function has been reported. The following publication has been ascertained in the context of this evaluation (PMID: 34440401). ClinVar contains an entry for this variant (Variation ID: 418663). Based on the evidence outlined above, the variant was classified as uncertain significance.

GeneDx
Classification: Likely pathogenic. Last evaluated: 2024-12-26. Review status: criteria provided, single submitter. Criteria: GeneDx Variant Classification Process June 2021. Collection method: clinical testing. Allele origin: germline. Affected: yes.
Comment: Not observed at significant frequency in large population cohorts (gnomAD); In silico analysis is inconclusive as to whether the variant alters gene splicing. In the absence of RNA/functional studies, the actual effect of this sequence change is unknown.; Has not been previously published as pathogenic or benign to our knowledge; This variant is associated with the following publications: (PMID: 31589614, 34277356, 11350185, 12410200)

Greenwood Genetic Center Diagnostic Laboratories, Greenwood Genetic Center
Classification: Uncertain significance. Last evaluated: 2023-03-10. Review status: criteria provided, single submitter. Criteria: ACMG Guidelines, 2015. Collection method: clinical testing. Allele origin: germline. Affected: yes.
Comment: PM2, PP3

Labcorp Genetics (formerly Invitae), Labcorp
Classification: Uncertain significance for PMM2-congenital disorder of glycosylation. Last evaluated: 2022-07-08. Review status: criteria provided, single submitter. Criteria: Invitae Variant Classification Sherloc (09022015). Collection method: clinical testing. Allele origin: germline.
Comment: This sequence change falls in intron 5 of the PMM2 gene. It does not directly change the encoded amino acid sequence of the PMM2 protein. It affects a nucleotide within the consensus splice site. This variant is present in population databases (rs367852554, gnomAD 0.01%). This variant has not been reported in the literature in individuals affected with PMM2-related conditions. ClinVar contains an entry for this variant (Variation ID: 418663). Variants that disrupt the consensus splice site are a relatively common cause of aberrant splicing (PMID: 17576681, 9536098). Algorithms developed to predict the effect of sequence changes on RNA splicing suggest that this variant may disrupt the consensus splice site. In summary, the available evidence is currently insufficient to determine the role of this variant in disease. Therefore, it has been classified as a Variant of Uncertain Significance.

Dr. Peter K. Rogan Lab, Western University
No classification provided (evidence only). Condition: Ovarian serous cystadenocarcinoma. Review status: no classification provided. Collection method: in vitro. Allele origin: not applicable. Functional consequence: retained intron. Not counted in ClinVar's aggregate classification.

Literature cited by the submitters: PubMed 34440401 (cited by Women's Health and Genetics/Laboratory Corporation of America, LabCorp); PubMed 17576681 (cited by Labcorp Genetics (formerly Invitae), Labcorp); PubMed 9536098 (cited by Labcorp Genetics (formerly Invitae), Labcorp).